The following is an entry in ClinVar:

NM_001018115.3(FANCD2):c.1576C>T (p.Pro526Ser)

Genes: FANCD2 (FA complementation group D2; plus strand), LOC107303338 (3p25 FANCD2 Alu-mediated recombination region; plus strand). Cytogenetic location: 3p25.3.
Variant type: single nucleotide variant.
Coding change: c.1576C>T on transcript NM_001018115.3 (MANE Select); coding-DNA position 1576, C replaced by T.
Protein change: p.Pro526Ser; replaces proline 526 with serine.
Molecular consequence: missense variant. On other transcripts: intron variant (1).
Genome position (GRCh38, 1-based): chr3:10,052,417, C>T. VCF-style: chr3-10052417-C-T. GRCh37 (hg19) VCF-style: chr3-10094101-C-T.
Other names: c.1576C>T, p.Pro526Ser (NM_001319984.2, NM_001374254.1, NM_033084.6); c.1545+2912C>T (NM_001374253.1); short protein forms P526S.
Identifiers: ClinVar variation 2038870 (VCV002038870.1), dbSNP rs774301461, ClinGen allele CA2249719.
Genomic context (GRCh38, chr3:10,052,417, plus strand): 5'-GCCTCATTGTTGGCATCATTTTTTCCACAGGGCATTTTAGATTATCTGGATAACATATCC[C>T]CTCAGCAAATACGAAAACTCTTCTATGTTCTCAGCACACTGGCATTTAGCAAACAGAATG-3'
Protein context (NP_001018125.1, residues 516-536): GILDYLDNIS[Pro526Ser]QQIRKLFYVL

ClinVar aggregate classification (germline): Uncertain significance (1 of 4 stars; one submission).

Conditions:
Fanconi anemia (FA). Also called: Fanconi's anemia. Identifiers: Orphanet 84, MedGen C0015625, MeSH D005199, MONDO:0019391.

Allele frequency attached by ClinVar (database versions not stated): gnomAD exomes below 0.00001; TOPMed below 0.00001; ExAC 0.00001.

Submission:

Labcorp Genetics (formerly Invitae), Labcorp
Classification: Uncertain significance for Fanconi anemia. Last evaluated: 2021-12-14. Review status: criteria provided, single submitter. Criteria: Invitae Variant Classification Sherloc (09022015). Collection method: clinical testing. Allele origin: germline.
Comment: This sequence change replaces proline, which is neutral and non-polar, with serine, which is neutral and polar, at codon 526 of the FANCD2 protein (p.Pro526Ser). This variant is present in population databases (rs774301461, gnomAD 0.01%). This variant has not been reported in the literature in individuals affected with FANCD2-related conditions. Algorithms developed to predict the effect of missense changes on protein structure and function (SIFT, PolyPhen-2, Align-GVGD) all suggest that this variant is likely to be tolerated. In summary, the available evidence is currently insufficient to determine the role of this variant in disease. Therefore, it has been classified as a Variant of Uncertain Significance.